The following is an entry in ClinVar:

ClinVar aggregate classification (germline): Uncertain significance (1 of 4 stars; one submission).

gnomAD v4.1: 6 of 1,208,537 alleles (0.0005%); highest among the groups gnomAD compares: East Asian, 0.003%; no homozygotes.

Submission:

Women's Health and Genetics/Laboratory Corporation of America, LabCorp
Classification: Uncertain significance. Last evaluated: 2024-08-14. Review status: criteria provided, single submitter. Criteria: LabCorp Variant Classification Summary - May 2015. Collection method: clinical testing. Allele origin: germline.
Comment: Variant summary: BTK c.1753G>A (p.Val585Ile) results in a conservative amino acid change located in the Protein kinase domain (IPR000719) of the encoded protein sequence. Three of five in-silico tools predict a damaging effect of the variant on protein function. Consensus agreement among computation tools predict no significant impact on normal splicing. However, these predictions have yet to be confirmed by functional studies. The variant allele was found at a frequency of 5.5e-06 in 183399 control chromosomes. The available data on variant occurrences in the general population are insufficient to allow any conclusion about variant significance. To our knowledge, no occurrence of c.1753G>A in individuals affected with X-Linked Agammaglobulinemia and no experimental evidence demonstrating its impact on protein function have been reported. No submitters have cited clinical-significance assessments for this variant to ClinVar. Based on the evidence outlined above, the variant was classified as uncertain significance.

NM_000061.3(BTK):c.1753G>A (p.Val585Ile)

Gene: BTK (Bruton tyrosine kinase; minus strand). Cytogenetic location: Xq22.1.
Variant type: single nucleotide variant.
Coding change: c.1753G>A on transcript NM_000061.3 (MANE Select); coding-DNA position 1753, G replaced by A.
Protein change: p.Val585Ile; replaces valine 585 with isoleucine.
Molecular consequence: missense variant.
Genome position (GRCh38, 1-based): chrX:101,353,349, C>T on the plus strand (G>A on the coding strand, the complement: BTK is on the minus strand). VCF-style: chrX-101353349-C-T. GRCh37 (hg19) VCF-style: chrX-100608337-C-T.
Other names: c.1855G>A, p.Val619Ile (NM_001287344.2); c.1225G>A, p.Val409Ile (NM_001287345.2); short protein forms V409I, V585I, V619I.
Identifiers: ClinVar variation 3366798 (VCV003366798.1).
Genomic context (GRCh38, chrX:101,353,349, plus strand): 5'-CACTGTTAGTAAATCTCTCATATGGCATCTTCCCCAGGGAGTAAATTTCCCACATCAAAA[C>T]CCCTAGAAGGTGAAAAAAATTATTAAATTGGTTTGCAGTCTTTTTGGATAGCAGGGGTCC-3'
Protein context (NP_000052.1, residues 575-595): SSKSDIWAFG[Val585Ile]LMWEIYSLGK